The following is an entry in ClinVar:

NM_001127208.3(TET2):c.3585_3586insACCCACTATT (p.Ala1196fs)

Genes: TET2 (tet methylcytosine dioxygenase 2; plus strand), TET2-AS1 (TET2 antisense RNA 1; minus strand). Cytogenetic location: 4q24.
Variant type: Insertion.
Coding change: c.3585_3586insACCCACTATT on transcript NM_001127208.3 (MANE Select); coding-DNA positions 3585 to 3586, ACCCACTATT inserted.
Protein change: p.Ala1196fs; shifts the reading frame from alanine 1196.
Molecular consequence: frameshift variant.
Genome position: GRCh38 VCF-style: chr4-105242913-C-CCTATTACCCA. GRCh37 (hg19) VCF-style: chr4-106164070-C-CCTATTACCCA.
Other names: short protein forms A1196fs.
Identifiers: ClinVar variation 2766059 (VCV002766059.3), dbSNP rs2476533686, ClinGen allele CA2697546843.

ClinVar aggregate classification (germline): Pathogenic (1 of 4 stars; one submission).

Submission:

Labcorp Genetics (formerly Invitae), Labcorp
Classification: Pathogenic. Last evaluated: 2023-11-07. Review status: criteria provided, single submitter. Criteria: Invitae Variant Classification Sherloc (09022015). Collection method: clinical testing. Allele origin: germline.
Comment: This sequence change creates a premature translational stop signal (p.Ala1196Thrfs*5) in the TET2 gene. It is expected to result in an absent or disrupted protein product. Loss-of-function variants in TET2 are known to be pathogenic (PMID: 36066697). This variant is not present in population databases (gnomAD no frequency). This variant has not been reported in the literature in individuals affected with TET2-related conditions. For these reasons, this variant has been classified as Pathogenic.

Literature cited by the submitters: PubMed 36066697.